The following is an entry in ClinVar:

ClinVar aggregate classification (germline): Likely benign. Review status: criteria provided, multiple submitters, no conflicts (2 of 4 stars). 3 submissions from 3 submitters: Likely benign (3). Last evaluated 2026-01-21.

Conditions:
Multiple congenital anomalies-hypotonia-seizures syndrome 2 (MCAHS2). Also called: GLYCOSYLPHOSPHATIDYLINOSITOL BIOSYNTHESIS DEFECT 4; EPILEPTIC ENCEPHALOPATHY, EARLY INFANTILE, 20. Identifiers: Orphanet 300496, MedGen C3275508, MONDO:0010466, OMIM 300868.

Allele frequency attached by ClinVar (database versions not stated): gnomAD exomes 0.00001; ExAC 0.00002; TOPMed 0.00006.
gnomAD v4.1: 4 of 1,210,635 alleles (0.00033%); highest among the groups gnomAD compares: African/African-American, 0.0052%; no homozygotes.

Submissions (3):

Labcorp Genetics (formerly Invitae), Labcorp
Classification: Likely benign for Multiple congenital anomalies-hypotonia-seizures syndrome 2. Last evaluated: 2026-01-21. Review status: criteria provided, single submitter. Criteria: Invitae Variant Classification Sherloc (09022015). Collection method: clinical testing. Allele origin: germline.

CeGaT Center for Human Genetics Tuebingen
Classification: Likely benign. Last evaluated: 2025-04-01. Review status: criteria provided, single submitter. Criteria: CeGaT Center For Human Genetics Tuebingen Variant Classification Criteria Version 2. Collection method: clinical testing. Allele origin: germline. Affected: yes. Observed: 1 variant allele.
Comment: PIGA: BP4, BP7

Blueprint Genetics
Classification: Likely benign. Last evaluated: 2024-10-11. Review status: criteria provided, single submitter. Criteria: ACMG Guidelines, 2015. Collection method: clinical testing. Allele origin: germline.

NM_002641.4(PIGA):c.1308C>T (p.Phe436=)

Gene: PIGA (phosphatidylinositol glycan anchor biosynthesis class A; minus strand). Cytogenetic location: Xp22.2.
Variant type: single nucleotide variant.
Coding change: c.1308C>T on transcript NM_002641.4 (MANE Select); coding-DNA position 1308, C replaced by T.
Protein change: p.Phe436=; no amino-acid change (phenylalanine 436 retained).
Molecular consequence: synonymous variant. On other transcripts: non-coding transcript variant (2).
Genome position (GRCh38, 1-based): chrX:15,321,653, G>A on the plus strand (C>T on the coding strand, the complement: PIGA is on the minus strand). VCF-style: chrX-15321653-G-A. GRCh37 (hg19) VCF-style: chrX-15339775-G-A.
Other names: c.606C>T, p.Phe202= (NM_020473.3).
Identifiers: ClinVar variation 1104004 (VCV001104004.17), dbSNP rs778444082, ClinGen allele CA10354058.